The following is an entry in ClinVar:

NM_170699.3(GPBAR1):c.560G>A (p.Arg187His)

Gene: GPBAR1 (G protein-coupled bile acid receptor 1; plus strand). Cytogenetic location: 2q35.
Variant type: single nucleotide variant.
Coding change: c.560G>A on transcript NM_170699.3 (MANE Select); coding-DNA position 560, G replaced by A.
Protein change: p.Arg187His; replaces arginine 187 with histidine.
Molecular consequence: missense variant.
Genome position (GRCh38, 1-based): chr2:218,263,284, G>A. VCF-style: chr2-218263284-G-A. GRCh37 (hg19) VCF-style: chr2-219128007-G-A.
Other names: c.560G>A, p.Arg187His (NM_001077191.2, NM_001077194.2, NM_001321950.2); c.560G>A (NM_001321950.1, NM_001077191.1); short protein forms R187H.
Identifiers: ClinVar variation 597630 (VCV000597630.8), dbSNP rs201063611, ClinGen allele CA2102616.

ClinVar aggregate classification (germline): Uncertain significance. Review status: criteria provided, multiple submitters, no conflicts (2 of 4 stars). 3 submissions from 3 submitters: Uncertain significance (2). 1 of the submissions does not count toward it. Last evaluated 2024-08-12.

Conditions:
GPBAR1-related disorder. Also called: GPBAR1-related condition.

Allele frequency attached by ClinVar (database versions not stated): gnomAD exomes 0.00010; TOPMed 0.00012; 1000 Genomes Project 30x 0.00016; 1000 Genomes Project 0.00020; ExAC 0.00007; gnomAD 0.00013.
gnomAD v4.1: 265 of 1,607,042 alleles (0.016%); highest among the groups gnomAD compares: Non-Finnish European, 0.021%; no homozygotes.

Submissions (3):

Ambry Genetics
Classification: Uncertain significance. Last evaluated: 2024-08-12. Review status: criteria provided, single submitter. Criteria: Ambry Variant Classification Scheme 2023. Collection method: clinical testing. Allele origin: germline.

Eurofins Ntd Llc (ga)
Classification: Uncertain significance. Last evaluated: 2018-06-14. Review status: criteria provided, single submitter. Criteria: EGL ClinVar v180209 classification definitions. Collection method: clinical testing. Allele origin: germline. Observed: 1 variant allele, 1 heterozygote.

PreventionGenetics, part of Exact Sciences
Classification: Uncertain significance for GPBAR1-related condition. Last evaluated: 2024-08-28. Review status: no assertion criteria provided. Collection method: clinical testing. Allele origin: germline. Not counted in ClinVar's aggregate classification.
Comment: The GPBAR1 c.560G>A variant is predicted to result in the amino acid substitution p.Arg187His. To our knowledge, this variant has not been reported in the literature. This variant is reported in 0.017% of alleles in individuals of European (Non-Finnish) descent in gnomAD. At this time, the clinical significance of this variant is uncertain due to the absence of conclusive functional and genetic evidence.